The following is an entry in ClinVar:

NM_000875.5(IGF1R):c.1965C>A (p.Gly655=)

Gene: IGF1R (insulin like growth factor 1 receptor; plus strand). Cytogenetic location: 15q26.3.
Variant type: single nucleotide variant.
Coding change: c.1965C>A on transcript NM_000875.5 (MANE Select); coding-DNA position 1965, C replaced by A.
Protein change: p.Gly655=; no amino-acid change (glycine 655 retained).
Molecular consequence: synonymous variant.
Genome position (GRCh38, 1-based): chr15:98,916,100, C>A. VCF-style: chr15-98916100-C-A. GRCh37 (hg19) VCF-style: chr15-99459329-C-A.
Other names: c.1965C>A, p.Gly655= (NM_001291858.2).
Identifiers: ClinVar variation 729286 (VCV000729286.8), dbSNP rs764811103, ClinGen allele CA275381649.

ClinVar aggregate classification (germline): Likely benign. Review status: criteria provided, multiple submitters, no conflicts (2 of 4 stars). 2 submissions from 2 submitters: Likely benign (2). Last evaluated 2025-08-11.

Conditions:
IGF1R-related disorder. Also called: IGF1R-related condition.

Allele frequency attached by ClinVar (database versions not stated): gnomAD 0.00003.
gnomAD v4.1: 9 of 1,614,172 alleles (0.00056%); no homozygotes.

Submissions (2):

Labcorp Genetics (formerly Invitae), Labcorp
Classification: Likely benign. Last evaluated: 2025-08-11. Review status: criteria provided, single submitter. Criteria: Invitae Variant Classification Sherloc (09022015). Collection method: clinical testing. Allele origin: germline.

PreventionGenetics, part of Exact Sciences
Classification: Likely benign for IGF1R-related condition. Last evaluated: 2024-12-18. Review status: criteria provided, single submitter. Criteria: ACMG Guidelines, 2015. Collection method: clinical testing. Allele origin: germline.
Comment: This variant is classified as likely benign based on ACMG/AMP sequence variant interpretation guidelines (Richards et al. 2015 PMID: 25741868, with internal and published modifications).